The following is an entry in ClinVar:

ClinVar aggregate classification (germline): Benign/Likely benign. Review status: criteria provided, multiple submitters, no conflicts (2 of 4 stars). 7 submissions from 7 submitters: Benign (2); Likely benign (5). Last evaluated 2026-01-22.

Conditions:
ALG13-related disorder. Also called: ALG13-related condition.
Inborn genetic diseases. Identifiers: MedGen C0950123, MeSH D030342.
Developmental and epileptic encephalopathy, 36 (DEE36). Also called: Epileptic encephalopathy, early infantile, 36; ALG13-CDG; Congenital disorder of glycosylation, type Is. Identifiers: Orphanet 324422, MedGen C4317295, MONDO:0010472, OMIM 300884.

Submissions (7):

Labcorp Genetics (formerly Invitae), Labcorp
Classification: Likely benign for Developmental and epileptic encephalopathy, 36. Last evaluated: 2026-01-22. Review status: criteria provided, single submitter. Criteria: Invitae Variant Classification Sherloc (09022015). Collection method: clinical testing. Allele origin: germline.

Ambry Genetics
Classification: Likely benign for Inborn genetic diseases. Last evaluated: 2025-03-17. Review status: criteria provided, single submitter. Criteria: Ambry Variant Classification Scheme 2023. Collection method: clinical testing. Allele origin: germline.

PreventionGenetics, part of Exact Sciences
Classification: Likely benign for ALG13-related condition. Last evaluated: 2025-02-10. Review status: criteria provided, single submitter. Criteria: ACMG Guidelines, 2015. Collection method: clinical testing. Allele origin: germline.
Comment: This variant is classified as likely benign based on ACMG/AMP sequence variant interpretation guidelines (Richards et al. 2015 PMID: 25741868, with internal and published modifications).

Blueprint Genetics
Classification: Likely benign. Last evaluated: 2024-11-27. Review status: criteria provided, single submitter. Criteria: ACMG Guidelines, 2015. Collection method: clinical testing. Allele origin: germline.

Athena Diagnostics
Classification: Benign. Last evaluated: 2024-08-20. Review status: criteria provided, single submitter. Criteria: Athena Diagnostics Criteria. Collection method: clinical testing. Allele origin: unknown.

GeneDx
Classification: Likely benign. Last evaluated: 2023-03-15. Review status: criteria provided, single submitter. Criteria: GeneDx Variant Classification Process June 2021. Collection method: clinical testing. Allele origin: germline. Affected: yes.
Comment: See Variant Classification Assertion Criteria.

Genome-Nilou Lab
Classification: Benign for Developmental and epileptic encephalopathy, 36. Last evaluated: 2021-12-05. Review status: criteria provided, single submitter. Criteria: ACMG Guidelines, 2015. Collection method: clinical testing. Allele origin: germline. Affected: no.

NM_001099922.3(ALG13):c.751-8_751-6del

Gene: ALG13 (ALG13 UDP-N-acetylglucosaminyltransferase subunit; plus strand). Cytogenetic location: Xq23.
Variant type: Microsatellite.
Coding change: c.751-8_751-6del on transcript NM_001099922.3 (MANE Select); 8 bases into the intron before coding-DNA position 751 through 6 bases into the intron before coding-DNA position 751, 3 bases deleted (CTT; older notation c.751-8_751-6delCTT).
Molecular consequence: intron variant.
Genome position (GRCh38, 1-based): chrX:111,708,957-111,708,959, CTT deleted; deleting any 3 consecutive bases within chrX:111,708,953-111,708,959 gives the same sequence; the c. name uses the placement nearest the transcript's 3' end. VCF-style (leftmost placement, unchanged base first): chrX-111708952-CTCT-C. GRCh37 (hg19) VCF-style: chrX-110952180-CTCT-C.
Other names: c.751-8_751-6delCTT (NM_001099922.2); c.439-8_439-6del (NM_001257237.2, NM_001324293.1, NM_001257234.2 and 1 more transcripts); c.517-8_517-6del (NM_001257231.2); c.751-8_751-6del (NM_001324292.2).
Identifiers: ClinVar variation 412615 (VCV000412615.20), dbSNP rs765948340, ClinGen allele CA10493578.